The following is an entry in ClinVar:

NM_001042492.3(NF1):c.6621A>C (p.Glu2207Asp)

Gene: NF1 (neurofibromin 1; plus strand). Cytogenetic location: 17q11.2.
Variant type: single nucleotide variant.
Coding change: c.6621A>C on transcript NM_001042492.3 (MANE Select); coding-DNA position 6621, A replaced by C.
Protein change: p.Glu2207Asp; replaces glutamic acid 2207 with aspartic acid.
Molecular consequence: missense variant.
Genome position (GRCh38, 1-based): chr17:31,337,561, A>C. VCF-style: chr17-31337561-A-C. GRCh37 (hg19) VCF-style: chr17-29664579-A-C.
Other names: c.6558A>C, p.Glu2186Asp (NM_000267.4); short protein forms E2186D, E2207D.
Identifiers: ClinVar variation 561666 (VCV000561666.1), dbSNP rs111405163, ClinGen allele CA399013465.

ClinVar aggregate classification (germline): Uncertain significance (1 of 4 stars; one submission).

Submission:

GeneDx
Classification: Uncertain significance. Last evaluated: 2018-07-10. Review status: criteria provided, single submitter. Criteria: GeneDx Variant Classification (06012015). Collection method: clinical testing. Allele origin: germline. Affected: yes.
Comment: The E2186D variant has not been published as a pathogenic variant, nor has it been reported as a benign variant to our knowledge. The variant is not observed in large population cohorts (Lek et al., 2016). However, the variant is a conservative amino acid substitution, which is not likely to impact secondary protein structure as these residues share similar properties. In-silico analyses, including protein predictors and evolutionary conservation, support that this variant does not alter protein structure/function. Therefore, based on the currently available information, it is unclear whether this variant is a pathogenic variant or a rare benign variant.